The following is an entry in ClinVar:

ClinVar aggregate classification (germline): Pathogenic (1 of 4 stars; one submission).

Conditions:
Congenital myotonia, autosomal dominant form (THD). Also called: THOMSEN DISEASE; Myotonia congenita autosomal dominant. Identifiers: Orphanet 614, MedGen C2936781, MONDO:0008055, OMIM 160800.
Congenital myotonia, autosomal recessive form. Also called: BECKER DISEASE; Becker Generalized Myotonia; myotonia congenita, autosomal recessive. Identifiers: Orphanet 614, MedGen C0751360, MONDO:0009715, OMIM 255700.

Submission:

Labcorp Genetics (formerly Invitae), Labcorp
Classification: Pathogenic for Congenital myotonia, autosomal recessive form; Congenital myotonia, autosomal dominant form. Last evaluated: 2023-08-02. Review status: criteria provided, single submitter. Criteria: Invitae Variant Classification Sherloc (09022015). Collection method: clinical testing. Allele origin: germline.
Comment: Algorithms developed to predict the effect of sequence changes on RNA splicing suggest that this variant may disrupt the consensus splice site. This variant has not been reported in the literature in individuals affected with CLCN1-related conditions. This variant is not present in population databases (gnomAD no frequency). This sequence change creates a premature translational stop signal (p.Trp449*) in the CLCN1 gene. It is expected to result in an absent or disrupted protein product. Loss-of-function variants in CLCN1 are known to be pathogenic (PMID: 17932099, 22094069, 23739125). For these reasons, this variant has been classified as Pathogenic.

Literature cited by the submitters: PubMed 17932099; PubMed 22094069; PubMed 23739125.

NM_000083.3(CLCN1):c.1347del (p.Val448_Trp449insTer)

Gene: CLCN1 (chloride voltage-gated channel 1; plus strand). Cytogenetic location: 7q34.
Variant type: Deletion.
Coding change: c.1347del on transcript NM_000083.3 (MANE Select); coding-DNA position 1347, one base deleted (G; older notation c.1347delG).
Protein change: p.Val448_Trp449insTer.
Molecular consequence: nonsense.
Genome position (GRCh38, 1-based): chr7:143,332,819, G deleted; the last of 2 consecutive G bases (chr7:143,332,818-143,332,819); deleting either gives the same sequence. VCF-style (leftmost placement, unchanged base first): chr7-143332817-TG-T. GRCh37 (hg19) VCF-style: chr7-143029910-TG-T.
Identifiers: ClinVar variation 2942790 (VCV002942790.3), dbSNP rs2487065042, ClinGen allele CA2740094914.
Genomic context (GRCh38, chr7:143,332,817, plus strand): 5'-GACAACAATACATGGGTGAAACACGCGGGTGATCCTGAGAGCCTGGGCCAGTCAGCTGTG[TG>T]GATTCACCCCCGGGTCAACGTTGTCATCATCATCTTTCTCTTCTTCGTCATGAAGGTACT-3'